The following is an entry in ClinVar:

ClinVar aggregate classification (germline): Pathogenic (1 of 4 stars; one submission).

Submission:

Labcorp Genetics (formerly Invitae), Labcorp
Classification: Pathogenic. Last evaluated: 2024-02-24. Review status: criteria provided, single submitter. Criteria: Invitae Variant Classification Sherloc (09022015). Collection method: clinical testing. Allele origin: germline.
Comment: This sequence change creates a premature translational stop signal (p.Lys323Asnfs*5) in the FAM161A gene. It is expected to result in an absent or disrupted protein product. Loss-of-function variants in FAM161A are known to be pathogenic (PMID: 20705278, 20705279, 24651477). This variant is present in population databases (no rsID available, gnomAD 0.0009%). This variant has not been reported in the literature in individuals affected with FAM161A-related conditions. ClinVar contains an entry for this variant (Variation ID: 844843). For these reasons, this variant has been classified as Pathogenic.

Literature cited by the submitters: PubMed 20705278; PubMed 20705279; PubMed 24651477.

NM_001201543.2(FAM161A):c.969_972del (p.Lys323fs)

Gene: FAM161A (FAM161 centrosomal protein A; minus strand). Cytogenetic location: 2p15.
Variant type: Deletion.
Coding change: c.969_972del on transcript NM_001201543.2 (MANE Select); coding-DNA positions 969 to 972, 4 bases deleted (GCCA; older notation c.969_972delGCCA).
Protein change: p.Lys323fs; shifts the reading frame from lysine 323.
Molecular consequence: frameshift variant. On other transcripts: non-coding transcript variant (1).
Genome position (GRCh38, 1-based): chr2:61,840,032-61,840,035, TGGC deleted on the plus strand (GCCA on the coding strand, the reverse complement: FAM161A is on the minus strand); deleting any 4 consecutive bases within chr2:61,840,032-61,840,036 gives the same sequence; the c. name uses the placement nearest the transcript's 3' end. VCF-style (leftmost placement, unchanged base first): chr2-61840031-ATGGC-A. GRCh37 (hg19) VCF-style: chr2-62067166-ATGGC-A.
Other names: c.969_972del, p.Lys323fs (NM_032180.3); short protein forms K323fs.
Identifiers: ClinVar variation 844843 (VCV000844843.7), dbSNP rs1294295448, ClinGen allele CA533181503.
Genomic context (GRCh38, chr2:61,840,031, plus strand): 5'-AGTCTCTCAGCTGCTTTTCCCGGGCTGCTCGCTTCTGTTCCTCCCTTGCTATAAATTTAA[ATGGC>A]TTTTGTGAGGCCAAAAGAGCTTCTTTGCTTTTCTCCTTCAGAGACCTTCTCCGTTCTTCT-3'